The following is an entry in ClinVar:

NM_033056.4(PCDH15):c.4435C>T (p.Gln1479Ter)

Gene: PCDH15 (protocadherin related 15; minus strand). Cytogenetic location: 10q21.1.
Variant type: single nucleotide variant.
Coding change: c.4435C>T on transcript NM_033056.4 (MANE Plus Clinical); coding-DNA position 4435, C replaced by T.
Protein change: p.Gln1479Ter; replaces glutamine 1479 with a stop codon.
Molecular consequence: nonsense. On other transcripts: intron variant (8).
Genome position (GRCh38, 1-based): chr10:53,823,291, G>A on the plus strand (C>T on the coding strand, the complement: PCDH15 is on the minus strand). VCF-style: chr10-53823291-G-A. GRCh37 (hg19) VCF-style: chr10-55583051-G-A.
Other names: c.4388+4102C>T (NM_001354411.2); c.4409+1845C>T (NM_001142769.3); c.4456C>T, p.Gln1486Ter (NM_001142763.2); c.4441C>T, p.Gln1481Ter (NM_001142764.2); c.4228C>T, p.Gln1410Ter (NM_001142765.2); c.4426C>T, p.Gln1476Ter (NM_001142766.2); c.4315C>T, p.Gln1439Ter (NM_001142767.2); c.4375C>T, p.Gln1459Ter (NM_001142768.2); and 6 more; short protein forms Q1410*, Q1476*, Q1479*, Q1457*, Q1459*, Q1486*, Q1439*, Q1456*.
Identifiers: ClinVar variation 5003334 (VCV005003334.1).

ClinVar aggregate classification (germline): Uncertain significance (1 of 4 stars; one submission).

Conditions:
Usher syndrome type 1F (USH1F). Also called: USHER SYNDROME, TYPE IF. Identifiers: Orphanet 231169, Orphanet 886, MedGen C1865885, MONDO:0011186, OMIM 602083.

Submission:

Myriad Genetics, Inc.
Classification: Uncertain significance for Usher syndrome type 1F. Last evaluated: 2026-03-18. Review status: criteria provided, single submitter. Criteria: Myriad Autosomal Dominant, Autosomal Recessive and X-Linked Classification Criteria (2023). Collection method: clinical testing. Allele origin: unknown.
Comment: NM_033056.3(PCDH15):c.4435C>T(Q1479*) is a nonsense variant classified as a variant of uncertain significance in the context of PCDH15-related disorders. Q1479* has not been observed in cases with relevant disease. Relevant functional assessments of this variant are not available in the literature. Q1479* has not been observed in referenced population frequency databases. In summary, there is insufficient evidence to classify NM_033056.3(PCDH15):c.4435C>T(Q1479*) as pathogenic or benign. Please note: this variant was assessed in the context of healthy population screening.